The following is an entry in ClinVar:

ClinVar aggregate classification (germline): Pathogenic (1 of 4 stars; one submission).

Conditions:
Torsion dystonia 6 (DYT6). Also called: DYT-THAP1. Identifiers: Orphanet 98806, MedGen C1414216, MONDO:0011264, OMIM 602629.

Submission:

Labcorp Genetics (formerly Invitae), Labcorp
Classification: Pathogenic for Torsion dystonia 6. Last evaluated: 2021-08-15. Review status: criteria provided, single submitter. Criteria: Invitae Variant Classification Sherloc (09022015). Collection method: clinical testing. Allele origin: germline.
Comment: A gross deletion of the genomic region encompassing the full coding sequence of the THAP1 gene has been identified. Loss-of-function variants in THAP1 are known to be pathogenic (PMID: 19345147). The boundaries of this event are unknown as they extend beyond the assayed region for this gene and therefore may encompass additional genes. This variant has not been reported in the literature in individuals affected with THAP1-related conditions. For these reasons, this variant has been classified as Pathogenic.

Literature cited by the submitters: PubMed 19345147.

NC_000008.10:g.(?_42693105)_(42698237_?)del

Gene: THAP1 (THAP domain containing 1; minus strand). Cytogenetic location: 8p11.21.
Variant type: Deletion.
Identifiers: ClinVar variation 1458222 (VCV001458222.4).